The following is an entry in ClinVar:

NM_178172.6(GPIHBP1):c.100G>C (p.Gly34Arg)

Gene: GPIHBP1 (glycosylphosphatidylinositol anchored high density lipoprotein binding protein 1; plus strand). Cytogenetic location: 8q24.3.
Variant type: single nucleotide variant.
Coding change: c.100G>C on transcript NM_178172.6 (MANE Select); coding-DNA position 100, G replaced by C.
Protein change: p.Gly34Arg; replaces glycine 34 with arginine.
Molecular consequence: missense variant.
Genome position (GRCh38, 1-based): chr8:143,213,869, G>C. VCF-style: chr8-143213869-G-C. GRCh37 (hg19) VCF-style: chr8-144295744-G-C.
Other names: c.100G>C, p.Gly34Arg (NM_001301772.2); short protein forms G34R.
Identifiers: ClinVar variation 2960323 (VCV002960323.3), dbSNP rs367902033, ClinGen allele CA4907022.

ClinVar aggregate classification (germline): Uncertain significance (1 of 4 stars; one submission).

gnomAD v4.1: 15 of 1,554,884 alleles (0.00096%); highest among the groups gnomAD compares: South Asian, 0.0059%; no homozygotes.

Submission:

Labcorp Genetics (formerly Invitae), Labcorp
Classification: Uncertain significance. Last evaluated: 2023-10-05. Review status: criteria provided, single submitter. Criteria: Invitae Variant Classification Sherloc (09022015). Collection method: clinical testing. Allele origin: germline.
Comment: This sequence change replaces glycine, which is neutral and non-polar, with arginine, which is basic and polar, at codon 34 of the GPIHBP1 protein (p.Gly34Arg). This variant is present in population databases (rs367902033, gnomAD 0.01%). This missense change has been observed in individual(s) with clinical features of hyperlipoproteinemia type 1D (PMID: 31669931). Algorithms developed to predict the effect of missense changes on protein structure and function output the following: SIFT: "Not Available"; PolyPhen-2: "Benign"; Align-GVGD: "Not Available". The arginine amino acid residue is found in multiple mammalian species, which suggests that this missense change does not adversely affect protein function. In summary, the available evidence is currently insufficient to determine the role of this variant in disease. Therefore, it has been classified as a Variant of Uncertain Significance.

Literature cited by the submitters: PubMed 31669931.